The following is an entry in ClinVar:

ClinVar aggregate classification (germline): Likely pathogenic (1 of 4 stars; one submission).

Conditions:
Familial cancer of breast. Also called: Hereditary breast cancer; BREAST CANCER, FAMILIAL; hereditary breast carcinoma. Identifiers: Orphanet 227535, MedGen C0346153, MONDO:0016419, OMIM 114480. Disease mechanism: loss of function.

Submission:

Labcorp Genetics (formerly Invitae), Labcorp
Classification: Likely pathogenic for Familial cancer of breast. Last evaluated: 2016-10-24. Review status: criteria provided, single submitter. Criteria: Invitae Variant Classification Sherloc (09022015). Collection method: clinical testing. Allele origin: germline.
Comment: This variant is a gross deletion of the genomic region encompassing exons 9-10 of the PALB2 gene. This leads to an in-frame deletion, preserving the integrity of the reading frame. PALB2 subgenic deletion of exon 9-10 has been reported in an affected individual from a hereditary breast cancer family (PMID: 24136930). This variant is expected to disrupt the WD40 domain of the PALB2 protein which directly interacts with BRCA2 and RAD51C, and thereby likely interferes with DNA repair function (PMID: 17420451, 19584259, 24141787). In summary, this deletion in PALB2 is expected to result in a disrupted protein product. However, additional genetic or functional evidence is needed to fully substantiate the pathogenicity of this variant. It has been classified as Likely Pathogenic.

NC_000016.10:g.(?_23621362)_(23623130_?)del

Gene: PALB2 (partner and localizer of BRCA2; minus strand). Cytogenetic location: 16p12.2.
Variant type: Deletion.
Identifiers: ClinVar variation 417514 (VCV000417514.2).